The following is an entry in ClinVar:

NM_000642.3(AGL):c.3884G>A (p.Arg1295His)

Gene: AGL (amylo-alpha-1,6-glucosidase and 4-alpha-glucanotransferase; plus strand). Cytogenetic location: 1p21.2.
Variant type: single nucleotide variant.
Coding change: c.3884G>A on transcript NM_000642.3 (MANE Select); coding-DNA position 3884, G replaced by A.
Protein change: p.Arg1295His; replaces arginine 1295 with histidine.
Molecular consequence: missense variant.
Genome position (GRCh38, 1-based): chr1:99,912,452, G>A. VCF-style: chr1-99912452-G-A. GRCh37 (hg19) VCF-style: chr1-100378008-G-A.
Other names: p.Arg1295His; c.3884G>A, p.Arg1295His (NM_000028.3, NM_000643.3, NM_000644.3 and 1 more transcripts); c.3836G>A, p.Arg1279His (NM_000646.3); c.3863G>A, p.Arg1288His (NM_001425326.1); c.3683G>A, p.Arg1228His (NM_001425327.1); c.3680G>A, p.Arg1227His (NM_001425328.1); c.3545G>A, p.Arg1182His (NM_001425329.1); c.3506G>A, p.Arg1169His (NM_001425332.1); short protein forms R1295H, R1279H, R1169H, R1182H, R1227H, R1228H, R1288H.
Identifiers: ClinVar variation 287476 (VCV000287476.21), dbSNP rs140481863, ClinGen allele CA967256.

ClinVar aggregate classification (germline): Conflicting classifications of pathogenicity. Review status: criteria provided, conflicting classifications (1 of 4 stars). 10 submissions from 10 submitters: Uncertain significance (7); Likely benign (2). 1 of the submissions does not count toward it. Last evaluated 2026-01-12.

Conditions:
Inborn genetic diseases. Identifiers: MedGen C0950123, MeSH D030342.
Glycogen storage disease type III (GSD3). Also called: FORBES DISEASE; Cori disease. Identifiers: Orphanet 366, MedGen C0017922, MONDO:0009291, OMIM 232400.

Allele frequency attached by ClinVar (database versions not stated): ESP Exome Variant Server 0.00008; ExAC 0.00012; 1000 Genomes Project 30x 0.00016; gnomAD 0.00017 and 0.00018; 1000 Genomes Project 0.00020; TOPMed 0.00026.
gnomAD v4.1: 171 of 1,613,950 alleles (0.011%); highest among the groups gnomAD compares: Middle Eastern, 0.033%; no homozygotes.

Submissions (10):

Labcorp Genetics (formerly Invitae), Labcorp
Classification: Likely benign for Glycogen storage disease type III. Last evaluated: 2026-01-12. Review status: criteria provided, single submitter. Criteria: Invitae Variant Classification Sherloc (09022015). Collection method: clinical testing. Allele origin: germline.

Mayo Clinic Laboratories, Mayo Clinic
Classification: Uncertain significance. Last evaluated: 2025-10-10. Review status: criteria provided, single submitter. Criteria: ACMG Guidelines, 2015. Collection method: clinical testing. Allele origin: germline. Observed: 2 variant alleles.
Comment: BS1

GeneDx
Classification: Uncertain significance. Last evaluated: 2025-06-04. Review status: criteria provided, single submitter. Criteria: GeneDx Variant Classification Process June 2021. Collection method: clinical testing. Allele origin: germline. Affected: yes.
Comment: In silico analysis suggests that this missense variant does not alter protein structure/function; Has not been previously published as pathogenic or benign to our knowledge

Blueprint Genetics
Classification: Likely benign. Last evaluated: 2024-10-25. Review status: criteria provided, single submitter. Criteria: ACMG Guidelines, 2015. Collection method: clinical testing. Allele origin: germline.

Ambry Genetics
Classification: Uncertain significance for Inborn genetic diseases. Last evaluated: 2023-11-17. Review status: criteria provided, single submitter. Criteria: Ambry Variant Classification Scheme 2023. Collection method: clinical testing. Allele origin: germline.

Fulgent Genetics
Classification: Uncertain significance for Glycogen storage disease type III. Last evaluated: 2022-02-02. Review status: criteria provided, single submitter. Criteria: ACMG Guidelines, 2015. Collection method: clinical testing. Allele origin: unknown.

Genome-Nilou Lab
Classification: Uncertain significance for Glycogen storage disease type III. Last evaluated: 2021-07-15. Review status: criteria provided, single submitter. Criteria: ACMG Guidelines, 2015. Collection method: clinical testing. Allele origin: germline. Affected: no.

Eurofins Ntd Llc (ga)
Classification: Uncertain significance. Last evaluated: 2016-04-14. Review status: criteria provided, single submitter. Criteria: EGL Classification Definitions 2015. Collection method: clinical testing. Allele origin: germline. Observed: 1 variant allele, 1 heterozygote.

Breakthrough Genomics
Classification: Uncertain significance. Review status: criteria provided, single submitter. Criteria: ACMG Guidelines, 2015. Collection method: not provided. Allele origin: germline. Inheritance: Autosomal recessive inheritance. Affected: yes.

Natera, Inc.
Classification: Uncertain significance for Glycogen storage disease type III. Last evaluated: 2020-09-16. Review status: no assertion criteria provided. Collection method: clinical testing. Allele origin: germline. Not counted in ClinVar's aggregate classification.